The following is an entry in ClinVar:

NM_001129.5(AEBP1):c.3271A>G (p.Thr1091Ala)

Gene: AEBP1 (AE binding protein 1; plus strand). Cytogenetic location: 7p13.
Variant type: single nucleotide variant.
Coding change: c.3271A>G on transcript NM_001129.5 (MANE Select); coding-DNA position 3271, A replaced by G.
Protein change: p.Thr1091Ala; replaces threonine 1091 with alanine.
Molecular consequence: missense variant.
Genome position (GRCh38, 1-based): chr7:44,114,055, A>G. VCF-style: chr7-44114055-A-G. GRCh37 (hg19) VCF-style: chr7-44153654-A-G.
Other names: short protein forms T1091A.
Identifiers: ClinVar variation 1396146 (VCV001396146.8), dbSNP rs566458131, ClinGen allele CA367375489.

ClinVar aggregate classification (germline): Uncertain significance (1 of 4 stars; one submission).

Allele frequency attached by ClinVar (database versions not stated): gnomAD exomes below 0.00001.
gnomAD v4.1: 3 of 1,614,112 alleles (0.00019%); highest among the groups gnomAD compares: Non-Finnish European, 0.00017%; no homozygotes.

Submission:

Labcorp Genetics (formerly Invitae), Labcorp
Classification: Uncertain significance. Last evaluated: 2022-12-06. Review status: criteria provided, single submitter. Criteria: Invitae Variant Classification Sherloc (09022015). Collection method: clinical testing. Allele origin: germline.
Comment: In summary, the available evidence is currently insufficient to determine the role of this variant in disease. Therefore, it has been classified as a Variant of Uncertain Significance. Algorithms developed to predict the effect of missense changes on protein structure and function are either unavailable or do not agree on the potential impact of this missense change (SIFT: "Deleterious"; PolyPhen-2: "Not Available"; Align-GVGD: "Class C0"). ClinVar contains an entry for this variant (Variation ID: 1396146). This variant has not been reported in the literature in individuals affected with AEBP1-related conditions. This variant is not present in population databases (gnomAD no frequency). This sequence change replaces threonine, which is neutral and polar, with alanine, which is neutral and non-polar, at codon 1091 of the AEBP1 protein (p.Thr1091Ala).